The following is an entry in ClinVar:

ClinVar aggregate classification (germline): Uncertain significance (1 of 4 stars; one submission).

Conditions:
Charcot-Marie-Tooth disease type 2. Also called: Charcot-Marie-Tooth type 2. Identifiers: Orphanet 64746, MedGen C0270914, MONDO:0018993.

Allele frequency attached by ClinVar (database versions not stated): gnomAD exomes below 0.00001.
gnomAD v4.1: 2 of 1,614,038 alleles (0.00012%); highest among the groups gnomAD compares: Non-Finnish European, 0.000085%; no homozygotes.

Submission:

Labcorp Genetics (formerly Invitae), Labcorp
Classification: Uncertain significance for Charcot-Marie-Tooth disease type 2. Last evaluated: 2020-02-14. Review status: criteria provided, single submitter. Criteria: Invitae Variant Classification Sherloc (09022015). Collection method: clinical testing. Allele origin: germline.
Comment: This sequence change replaces histidine with tyrosine at codon 31 of the MFN2 protein (p.His31Tyr). The histidine residue is highly conserved and there is a moderate physicochemical difference between histidine and tyrosine. This variant is not present in population databases (ExAC no frequency). This variant has not been reported in the literature in individuals with a MFN2-related disease. Algorithms developed to predict the effect of missense changes on protein structure and function do not agree on the potential impact of this missense change (SIFT: "Tolerated"; PolyPhen-2: "Possibly Damaging"; Align-GVGD: "Class C15"). In summary, this variant has uncertain impact on MFN2 function. The available evidence is currently insufficient to determine its role in disease. Therefore, it has been classified as a Variant of Uncertain Significance.

NM_014874.4(MFN2):c.91C>T (p.His31Tyr)

Gene: MFN2 (mitofusin 2; plus strand). Cytogenetic location: 1p36.22.
Variant type: single nucleotide variant.
Coding change: c.91C>T on transcript NM_014874.4 (MANE Select); coding-DNA position 91, C replaced by T.
Protein change: p.His31Tyr; replaces histidine 31 with tyrosine.
Molecular consequence: missense variant.
Genome position (GRCh38, 1-based): chr1:11,989,259, C>T. VCF-style: chr1-11989259-C-T. GRCh37 (hg19) VCF-style: chr1-12049316-C-T.
Other names: c.91C>T, p.His31Tyr (NM_001127660.2); short protein forms H31Y.
Identifiers: ClinVar variation 476775 (VCV000476775.8), dbSNP rs1553140991, ClinGen allele CA338459590.